The following is an entry in ClinVar:

NM_000384.3(APOB):c.13512C>A (p.Asp4504Glu)

Gene: APOB (apolipoprotein B; minus strand). Cytogenetic location: 2p24.1.
Variant type: single nucleotide variant.
Coding change: c.13512C>A on transcript NM_000384.3 (MANE Select); coding-DNA position 13512, C replaced by A.
Protein change: p.Asp4504Glu; replaces aspartic acid 4504 with glutamic acid.
Molecular consequence: missense variant.
Genome position (GRCh38, 1-based): chr2:21,001,910, G>T on the plus strand (C>A on the coding strand, the complement: APOB is on the minus strand). VCF-style: chr2-21001910-G-T. GRCh37 (hg19) VCF-style: chr2-21224782-G-T.
Other names: short protein forms D4504E.
Identifiers: ClinVar variation 3572069 (VCV003572069.1).

ClinVar aggregate classification (germline): Uncertain significance (1 of 4 stars; one submission).

Submission:

Quest Diagnostics Nichols Institute San Juan Capistrano
Classification: Uncertain significance. Last evaluated: 2024-03-19. Review status: criteria provided, single submitter. Criteria: Quest Diagnostics criteria. Collection method: clinical testing. Allele origin: unknown.
Comment: The APOB c.13512C>A (p.Asp4504Glu) variant has not been reported in individuals with APOB-related conditions in the published literature. It also has not been reported in large, multi-ethnic general populations (Genome Aggregation Database). Analysis of this variant using bioinformatics tools for the prediction of the effect of amino acid changes on protein structure and function yielded predictions that this variant is benign. Based on the available information, we are unable to determine the clinical significance of this variant.